The following is an entry in ClinVar:

NM_000171.3(GLRA1):c.[1030C>T];[288G>T]

Variant type: CompoundHeterozygote.
Identifiers: ClinVar variation 424700 (VCV000424700.4).

ClinVar aggregate classification (germline): Pathogenic (0 of 4 stars; one submission).

Conditions:
Hyperekplexia 1 (STHE). Also called: EXAGGERATED STARTLE REACTION; KOK DISEASE; STARTLE DISEASE, FAMILIAL; STIFF-BABY SYNDROME; STIFF-MAN SYNDROME, CONGENITAL; STIFF-PERSON SYNDROME, CONGENITAL. Identifiers: Orphanet 3197, MedGen C4551954, MONDO:0007868, OMIM 149400.

Submission:

GeneReviews
Classification: Pathogenic for Hyperekplexia. Last evaluated: 2012-10-04. Review status: no assertion criteria provided. Collection method: curation. Allele origin: unknown.
ClinVar note: Converted during submission from pathologic to Pathogenic.